The following is an entry in ClinVar:

NM_020919.4(ALS2):c.1960A>C (p.Ser654Arg)

Gene: ALS2 (alsin Rho guanine nucleotide exchange factor ALS2; minus strand). Cytogenetic location: 2q33.1.
Variant type: single nucleotide variant.
Coding change: c.1960A>C on transcript NM_020919.4 (MANE Select); coding-DNA position 1960, A replaced by C.
Protein change: p.Ser654Arg; replaces serine 654 with arginine.
Molecular consequence: missense variant.
Genome position (GRCh38, 1-based): chr2:201,746,604, T>G on the plus strand (A>C on the coding strand, the complement: ALS2 is on the minus strand). VCF-style: chr2-201746604-T-G. GRCh37 (hg19) VCF-style: chr2-202611327-T-G.
Other names: short protein forms S654R.
Identifiers: ClinVar variation 804519 (VCV000804519.3), dbSNP rs61757690, ClinGen allele CA2058318.
Genomic context (GRCh38, chr2:201,746,604, plus strand): 5'-TTAGGATCCAATTCCTGTTCACCTTACTACAGGAGAGAAGTACTGGAGTCTTAGAACCAC[T>G]GTGATTCTCTGGAAGGTTGTCACCTTCTGTAGGGTCCTGTCGGCCACTGTAATATAACCC-3'
Protein context (NP_065970.2, residues 644-664): TEGDNLPENH[Ser654Arg]GSKTPVLLSC

ClinVar aggregate classification (germline): Uncertain significance. Review status: criteria provided, multiple submitters, no conflicts (2 of 4 stars). 2 submissions from 2 submitters: Uncertain significance (2). Last evaluated 2022-03-18.

Conditions:
Infantile-onset ascending hereditary spastic paralysis (IAHSP). Also called: Infantile-Onset Ascending Hereditary Spastic Paralysis (IAHSP); Autosomal Recessive Juvenile Amyotrophic Lateral Sclerosis. Identifiers: Orphanet 293168, MedGen C2931441, MONDO:0011797, OMIM 607225. Disease mechanism: loss of function.

gnomAD v4.1: 28 of 1,614,196 alleles (0.0017%); highest among the groups gnomAD compares: Non-Finnish European, 0.0023%; no homozygotes.

Submissions (2):

Labcorp Genetics (formerly Invitae), Labcorp
Classification: Uncertain significance for Infantile-onset ascending hereditary spastic paralysis. Last evaluated: 2022-03-18. Review status: criteria provided, single submitter. Criteria: Invitae Variant Classification Sherloc (09022015). Collection method: clinical testing. Allele origin: germline.
Comment: This sequence change replaces serine, which is neutral and polar, with arginine, which is basic and polar, at codon 654 of the ALS2 protein (p.Ser654Arg). This variant is present in population databases (rs61757690, gnomAD 0.004%). This variant has not been reported in the literature in individuals affected with ALS2-related conditions. ClinVar contains an entry for this variant (Variation ID: 804519). Algorithms developed to predict the effect of missense changes on protein structure and function output the following: SIFT: "Tolerated"; PolyPhen-2: "Benign"; Align-GVGD: "Class C0". The arginine amino acid residue is found in multiple mammalian species, which suggests that this missense change does not adversely affect protein function. Algorithms developed to predict the effect of sequence changes on RNA splicing suggest that this variant may create or strengthen a splice site. In summary, the available evidence is currently insufficient to determine the role of this variant in disease. Therefore, it has been classified as a Variant of Uncertain Significance.

Athena Diagnostics
Classification: Uncertain significance. Last evaluated: 2018-12-20. Review status: criteria provided, single submitter. Criteria: Athena Diagnostics Criteria. Collection method: clinical testing. Allele origin: germline.